The following is an entry in ClinVar:

NM_000059.4(BRCA2):c.120A>T (p.Pro40=)

Gene: BRCA2 (BRCA2 DNA repair associated; plus strand). Cytogenetic location: 13q13.1.
Variant type: single nucleotide variant.
Coding change: c.120A>T on transcript NM_000059.4 (MANE Select); coding-DNA position 120, A replaced by T.
Protein change: p.Pro40=; no amino-acid change (proline 40 retained).
Molecular consequence: synonymous variant.
Genome position (GRCh38, 1-based): chr13:32,319,129, A>T. VCF-style: chr13-32319129-A-T. GRCh37 (hg19) VCF-style: chr13-32893266-A-T.
Identifiers: ClinVar variation 818579 (VCV000818579.5), dbSNP rs1593882434, ClinGen allele CA483435763.

ClinVar aggregate classification (germline): Likely benign. Review status: criteria provided, multiple submitters, no conflicts (2 of 4 stars). 2 submissions from 2 submitters: Likely benign (2). Last evaluated 2023-04-03.

Conditions:
Hereditary cancer-predisposing syndrome. Also called: Hereditary Cancer Syndrome; Neoplastic Syndromes, Hereditary; Hereditary neoplastic syndrome; Tumor predisposition. Identifiers: Orphanet 140162, MedGen C0027672, MeSH D009386, MONDO:0015356.
Breast-ovarian cancer, familial, susceptibility to, 2 (BROVCA2). Also called: BRCA2 Hereditary Breast and Ovarian Cancer. Identifiers: Orphanet 145, MedGen C2675520, MONDO:0012933, OMIM 612555. Disease mechanism: loss of function.

Submissions (2):

All of Us Research Program, National Institutes of Health
Classification: Likely benign for Breast-ovarian cancer, familial, susceptibility to, 2. Last evaluated: 2023-04-03. Review status: criteria provided, single submitter. Criteria: ACMG Guidelines, 2015. Collection method: clinical testing. Allele origin: germline. Inheritance: Autosomal dominant inheritance. Observed: 1 variant allele, 1 heterozygote.
Comment: This study involves interpretation of variants in research participants for the purpose of population health screening. Participant phenotype was not available at the time of variant classification. Additional details can be found in publication PMID: 35346344, PMCID: PMC8962531

Ambry Genetics
Classification: Likely benign for Hereditary cancer-predisposing syndrome. Last evaluated: 2019-04-03. Review status: criteria provided, single submitter. Criteria: Ambry Variant Classification Scheme 2023. Collection method: clinical testing. Allele origin: germline.